The following is an entry in ClinVar:

NM_007294.4(BRCA1):c.4489del (p.Ser1497fs)

Gene: BRCA1 (BRCA1 DNA repair associated; minus strand). Cytogenetic location: 17q21.31.
Variant type: Deletion.
Coding change: c.4489del on transcript NM_007294.4 (MANE Select); coding-DNA position 4489, one base deleted (T; older notation c.4489delT).
Protein change: p.Ser1497fs; shifts the reading frame from serine 1497.
Molecular consequence: frameshift variant. On other transcripts: intron variant (3).
Genome position (GRCh38, 1-based): chr17:43,074,517, A deleted on the plus strand (T on the coding strand, the reverse complement: BRCA1 is on the minus strand). VCF-style (leftmost placement, unchanged base first): chr17-43074516-GA-G. GRCh37 (hg19) VCF-style: chr17-41226533-GA-G.
Other names: c.4345del, p.Ser1449fs (NM_001407750.1, NM_001407751.1, NM_001407752.1 and 21 more transcripts); c.4342del, p.Ser1448fs (NM_001407838.1, NM_001407839.1, NM_001407841.1 and 12 more transcripts); c.4489del, p.Ser1497fs (NM_001407854.1, NM_001407593.1, NM_001407594.1 and 8 more transcripts); c.4486del, p.Ser1496fs (NM_001407858.1, NM_001407859.1, NM_001407860.1 and 17 more transcripts); c.4483del, p.Ser1495fs (NM_001407861.1, NM_001407627.1, NM_001407628.1 and 14 more transcripts); c.4288del, p.Ser1430fs (NM_001407862.1); c.4363del, p.Ser1455fs (NM_001407863.1, NM_001407670.1, NM_001407671.1 and 11 more transcripts); c.4282del, p.Ser1428fs (NM_001407874.1, NM_001407875.1); and 71 more; short protein forms S1200fs, S1201fs, S1328fs, S1368fs, S1369fs, S1370fs, S1384fs, S1385fs.
Identifiers: ClinVar variation 3379249 (VCV003379249.1).
Genomic context (GRCh38, chr17:43,074,516, plus strand): 5'-AGACTCCCAGAGCAACTGTGCATGTACCACCTATCATCTAATGATGGGCATTTAGAAGGG[GA>G]TGACCTAGAAAGATAAATGGAAGGAGAAAACCATCGCCACCAATTGTGAAAGGACAAATC-3'

ClinVar aggregate classification (germline): Pathogenic (1 of 4 stars; one submission).

Conditions:
Breast-ovarian cancer, familial, susceptibility to, 1 (BROVCA1). Also called: BRCA1 Hereditary Breast and Ovarian Cancer; OVARIAN CANCER, SUSCEPTIBILITY TO. Identifiers: Orphanet 145, MedGen C2676676, MONDO:0011450, OMIM 604370. Disease mechanism: loss of function.

Submission:

Myriad Genetics, Inc.
Classification: Pathogenic for Breast-ovarian cancer, familial, susceptibility to, 1. Last evaluated: 2024-07-22. Review status: criteria provided, single submitter. Criteria: Myriad Autosomal Dominant, Autosomal Recessive and X-Linked Classification Criteria (2023). Collection method: clinical testing. Allele origin: unknown.
Comment: This variant is considered pathogenic. This variant creates a frameshift predicted to result in premature protein truncation.